The following is an entry in ClinVar:

NM_182914.3(SYNE2):c.2190A>G (p.Thr730=)

Gene: SYNE2 (spectrin repeat containing nuclear envelope protein 2; plus strand). Cytogenetic location: 14q23.2.
Variant type: single nucleotide variant.
Coding change: c.2190A>G on transcript NM_182914.3 (MANE Select); coding-DNA position 2190, A replaced by G.
Protein change: p.Thr730=; no amino-acid change (threonine 730 retained).
Molecular consequence: synonymous variant.
Genome position (GRCh38, 1-based): chr14:63,986,494, A>G. VCF-style: chr14-63986494-A-G. GRCh37 (hg19) VCF-style: chr14-64453212-A-G.
Other names: c.2190A>G, p.Thr730= (NM_015180.6).
Identifiers: ClinVar variation 283324 (VCV000283324.20), dbSNP rs374751877, ClinGen allele CA7219633.

ClinVar aggregate classification (germline): Conflicting classifications of pathogenicity. Review status: criteria provided, conflicting classifications (1 of 4 stars). 4 submissions from 4 submitters: Uncertain significance (1); Benign (1); Likely benign (2). Last evaluated 2025-08-15.

Conditions:
Emery-Dreifuss muscular dystrophy 5, autosomal dominant (EDMD5). Also called: EMERY-DREIFUSS MUSCULAR DYSTROPHY 5. Identifiers: Orphanet 261, MedGen C2751805, MONDO:0013072, OMIM 612999.

Allele frequency attached by ClinVar (database versions not stated): gnomAD 0.00011 and 0.00012; gnomAD exomes 0.00013 and 0.00024; TOPMed 0.00016; ExAC 0.00021; ESP Exome Variant Server 0.00025.
gnomAD v4.1: 208 of 1,614,062 alleles (0.013%); highest among the groups gnomAD compares: Admixed American, 0.015%; 2 homozygotes.

Submissions (4):

Labcorp Genetics (formerly Invitae), Labcorp
Classification: Benign for Emery-Dreifuss muscular dystrophy 5, autosomal dominant. Last evaluated: 2025-08-15. Review status: criteria provided, single submitter. Criteria: Invitae Variant Classification Sherloc (09022015). Collection method: clinical testing. Allele origin: germline.

Blueprint Genetics
Classification: Likely benign. Last evaluated: 2022-04-11. Review status: criteria provided, single submitter. Criteria: ACMG Guidelines, 2015. Collection method: clinical testing. Allele origin: germline.

Illumina Laboratory Services, Illumina
Classification: Likely benign for Emery-Dreifuss muscular dystrophy 5, autosomal dominant. Last evaluated: 2018-01-13. Review status: criteria provided, single submitter. Criteria: ICSL Variant Classification Criteria 13 December 2019. Collection method: clinical testing. Allele origin: germline.
Comment: This variant was observed in the ICSL laboratory as part of a predisposition screen in an ostensibly healthy population. It had not been previously curated by ICSL or reported in the Human Gene Mutation Database (HGMD: prior to June 1st, 2018), and was therefore a candidate for classification through an automated scoring system. Utilizing variant allele frequency, disease prevalence and penetrance estimates, and inheritance mode, an automated score was calculated to assess if this variant is too frequent to cause the disease. Based on the score and internal cut-off values, a variant classified as likely benign is not then subjected to further curation. The score for this variant resulted in a classification of likely benign for this disease.

Eurofins Ntd Llc (ga)
Classification: Uncertain significance. Last evaluated: 2015-09-30. Review status: criteria provided, single submitter. Criteria: EGL Classification Definitions 2015. Collection method: clinical testing. Allele origin: germline. Observed: 1 variant allele, 1 heterozygote.